The following is an entry in ClinVar:

NM_006950.3(SYN1):c.740T>C (p.Ile247Thr)

Gene: SYN1 (synapsin I; minus strand). Cytogenetic location: Xp11.23.
Variant type: single nucleotide variant.
Coding change: c.740T>C on transcript NM_006950.3 (MANE Select); coding-DNA position 740, T replaced by C.
Protein change: p.Ile247Thr; replaces isoleucine 247 with threonine.
Molecular consequence: missense variant.
Genome position (GRCh38, 1-based): chrX:47,605,012, A>G on the plus strand (T>C on the coding strand, the complement: SYN1 is on the minus strand). VCF-style: chrX-47605012-A-G. GRCh37 (hg19) VCF-style: chrX-47464411-A-G.
Other names: c.740T>C, p.Ile247Thr (NM_133499.2); short protein forms I247T.
Identifiers: ClinVar variation 4722018 (VCV004722018.1).

ClinVar aggregate classification (germline): Uncertain significance (1 of 4 stars; one submission).

Conditions:
Epilepsy, X-linked 1, with variable learning disabilities and behavior disorders. Also called: X-linked epilepsy-learning disabilities-behavior disorders syndrome. Identifiers: Orphanet 85294, MedGen C5774177, MONDO:0010339, OMIM 300491.

Submission:

Labcorp Genetics (formerly Invitae), Labcorp
Classification: Uncertain significance for Epilepsy, X-linked 1, with variable learning disabilities and behavior disorders. Last evaluated: 2025-06-24. Review status: criteria provided, single submitter. Criteria: Invitae Variant Classification Sherloc (09022015). Collection method: clinical testing. Allele origin: germline.
Comment: This sequence change replaces isoleucine, which is neutral and non-polar, with threonine, which is neutral and polar, at codon 247 of the SYN1 protein (p.Ile247Thr). This variant is not present in population databases (gnomAD no frequency). This variant has not been reported in the literature in individuals affected with SYN1-related conditions. An algorithm developed to predict the effect of missense changes on protein structure and function (PolyPhen-2) suggests that this variant is likely to be disruptive. In summary, the available evidence is currently insufficient to determine the role of this variant in disease. Therefore, it has been classified as a Variant of Uncertain Significance.